The following is an entry in ClinVar:

ClinVar aggregate classification (germline): Uncertain significance (1 of 4 stars; one submission).

Submission:

Women's Health and Genetics/Laboratory Corporation of America, LabCorp
Classification: Uncertain significance. Last evaluated: 2024-06-06. Review status: criteria provided, single submitter. Criteria: LabCorp Variant Classification Summary - May 2015. Collection method: clinical testing. Allele origin: germline.
Comment: Variant summary: SQSTM1 c.1200G>T (p.Gln400His) results in a non-conservative amino acid change located in the Ubiquitin-associated domain (IPR015940) of the encoded protein sequence. Five of five in-silico tools predict a damaging effect of the variant on protein function. The variant was absent in 251418 control chromosomes. The available data on variant occurrences in the general population are insufficient to allow any conclusion about variant significance. To our knowledge, no occurrence of c.1200G>T in individuals affected with SQSTM1-Related Disorders and no experimental evidence demonstrating its impact on protein function have been reported. No submitters have cited clinical-significance assessments for this variant to ClinVar. Based on the evidence outlined above, the variant was classified as uncertain significance.

NM_003900.5(SQSTM1):c.1200G>T (p.Gln400His)

Gene: SQSTM1 (sequestosome 1; plus strand). Cytogenetic location: 5q35.3.
Variant type: single nucleotide variant.
Coding change: c.1200G>T on transcript NM_003900.5 (MANE Select); coding-DNA position 1200, G replaced by T.
Protein change: p.Gln400His; replaces glutamine 400 with histidine.
Molecular consequence: missense variant.
Genome position (GRCh38, 1-based): chr5:179,836,470, G>T. VCF-style: chr5-179836470-G-T. GRCh37 (hg19) VCF-style: chr5-179263470-G-T.
Other names: c.948G>T, p.Gln316His (NM_001142298.2, NM_001142299.2); short protein forms Q316H, Q400H.
Identifiers: ClinVar variation 3339713 (VCV003339713.1).